The following is an entry in ClinVar:

NM_001330677.2(TBX15):c.1211G>A (p.Arg404Gln)

Gene: TBX15 (T-box transcription factor 15; minus strand). Cytogenetic location: 1p12.
Variant type: single nucleotide variant.
Coding change: c.1211G>A on transcript NM_001330677.2 (MANE Select); coding-DNA position 1211, G replaced by A.
Protein change: p.Arg404Gln; replaces arginine 404 with glutamine.
Molecular consequence: missense variant.
Genome position (GRCh38, 1-based): chr1:118,885,330, C>T on the plus strand (G>A on the coding strand, the complement: TBX15 is on the minus strand). VCF-style: chr1-118885330-C-T. GRCh37 (hg19) VCF-style: chr1-119427953-C-T.
Other names: c.893G>A, p.Arg298Gln (NM_152380.3); short protein forms R298Q, R404Q.
Identifiers: ClinVar variation 1909997 (VCV001909997.4), dbSNP rs202186272, ClinGen allele CA1034877.

ClinVar aggregate classification (germline): Uncertain significance (1 of 4 stars; one submission).

Allele frequency attached by ClinVar (database versions not stated): ExAC 0.00001; gnomAD 0.00007; TOPMed 0.00008; 1000 Genomes Project 30x 0.00016; 1000 Genomes Project 0.00020.
gnomAD v4.1: 58 of 1,614,018 alleles (0.0036%); highest among the groups gnomAD compares: Middle Eastern, 0.016%; no homozygotes.

Submission:

Labcorp Genetics (formerly Invitae), Labcorp
Classification: Uncertain significance. Last evaluated: 2024-06-17. Review status: criteria provided, single submitter. Criteria: Invitae Variant Classification Sherloc (09022015). Collection method: clinical testing. Allele origin: germline.
Comment: This sequence change replaces arginine, which is basic and polar, with glutamine, which is neutral and polar, at codon 298 of the TBX15 protein (p.Arg298Gln). This variant is present in population databases (rs202186272, gnomAD 0.01%). This variant has not been reported in the literature in individuals affected with TBX15-related conditions. ClinVar contains an entry for this variant (Variation ID: 1909997). Advanced modeling of protein sequence and biophysical properties (such as structural, functional, and spatial information, amino acid conservation, physicochemical variation, residue mobility, and thermodynamic stability) performed at Invitae indicates that this missense variant is not expected to disrupt TBX15 protein function with a negative predictive value of 80%. In summary, the available evidence is currently insufficient to determine the role of this variant in disease. Therefore, it has been classified as a Variant of Uncertain Significance.